The following is an entry in ClinVar:

NM_001042492.3(NF1):c.3538_3544del (p.Met1180fs)

Gene: NF1 (neurofibromin 1; plus strand). Cytogenetic location: 17q11.2.
Variant type: Deletion.
Coding change: c.3538_3544del on transcript NM_001042492.3 (MANE Select); coding-DNA positions 3538 to 3544, 7 bases deleted (ATGGAAG; older notation c.3538_3544delATGGAAG).
Protein change: p.Met1180fs; shifts the reading frame from methionine 1180.
Molecular consequence: frameshift variant.
Genome position (GRCh38, 1-based): chr17:31,233,043-31,233,049, ATGGAAG deleted. VCF-style (leftmost placement, unchanged base first): chr17-31233042-TATGGAAG-T. GRCh37 (hg19) VCF-style: chr17-29560060-TATGGAAG-T.
Other names: c.3538_3544delATGGAAG, p.Met1180Phefs (NM_000267.4); short protein forms M1180fs.
Identifiers: ClinVar variation 1076422 (VCV001076422.5), dbSNP rs2151435366, ClinGen allele CA2499224101.

ClinVar aggregate classification (germline): Pathogenic (1 of 4 stars; one submission).

Conditions:
Neurofibromatosis, type 1 (NF1). Also called: VON RECKLINGHAUSEN DISEASE; Peripheral type neurofibromatosis; NEUROFIBROMATOSIS, TYPE I, SOMATIC; Neurofibromatosis, type I. Identifiers: Orphanet 636, MedGen C0027831, MONDO:0018975, OMIM 162200. Disease mechanism: loss of function.

Submission:

Labcorp Genetics (formerly Invitae), Labcorp
Classification: Pathogenic for Neurofibromatosis, type 1. Last evaluated: 2020-08-18. Review status: criteria provided, single submitter. Criteria: Invitae Variant Classification Sherloc (09022015). Collection method: clinical testing. Allele origin: germline.
Comment: This sequence change creates a premature translational stop signal (p.Met1180Phefs*2) in the NF1 gene. It is expected to result in an absent or disrupted protein product. This variant has been observed in an individual with clinical features of neurofibromatosis type 1 (NF1) (PMID: 18546366). Loss-of-function variants in NF1 are known to be pathogenic (PMID: 10712197, 23913538). For these reasons, this variant has been classified as Pathogenic. This variant is not present in population databases (ExAC no frequency).

Literature cited by the submitters: PubMed 18546366; PubMed 10712197; PubMed 23913538.